The following is an entry in ClinVar:

NM_000138.5(FBN1):c.3226A>C (p.Ile1076Leu)

Gene: FBN1 (fibrillin 1; minus strand). Cytogenetic location: 15q21.1.
Variant type: single nucleotide variant.
Coding change: c.3226A>C on transcript NM_000138.5 (MANE Select); coding-DNA position 3226, A replaced by C.
Protein change: p.Ile1076Leu; replaces isoleucine 1076 with leucine.
Molecular consequence: missense variant.
Genome position (GRCh38, 1-based): chr15:48,488,224, T>G on the plus strand (A>C on the coding strand, the complement: FBN1 is on the minus strand). VCF-style: chr15-48488224-T-G. GRCh37 (hg19) VCF-style: chr15-48780421-T-G.
Other names: short protein forms I1076L.
Identifiers: ClinVar variation 406367 (VCV000406367.21), dbSNP rs201156527, ClinGen allele CA050201.
Genomic context (GRCh38, chr15:48,488,224, plus strand): 5'-TGCATTCAAAGTCCCCAGGGGTGTTCACACACTGGCCTCTGCCACAGAGGTCAGGAGATA[T>G]GCGGCATTCGTCAATGTCTGCACAAAAACAGCAAGTGGCAGCAAATGAGTCTCAGGACAG-3'
Protein context (NP_000129.3, residues 1066-1086): RNCTDIDECR[Ile1076Leu]SPDLCGRGQC

ClinVar aggregate classification (germline): Conflicting classifications of pathogenicity. Review status: criteria provided, conflicting classifications (1 of 4 stars). 6 submissions from 6 submitters: Uncertain significance (3); Likely benign (3). Last evaluated 2026-01-11.

Conditions:
Marfan syndrome (MFS). Also called: Marfan syndrome, classic; Marfan syndrome type 1; Marfan's syndrome; MARFAN SYNDROME, TYPE I; FBN1-Related Marfan Syndrome. Identifiers: Orphanet 284963, Orphanet 558, MedGen C0024796, MONDO:0007947, OMIM 154700.
Familial thoracic aortic aneurysm and aortic dissection (TAAD). Also called: Thoracic aortic aneurysms and dissections. Identifiers: Orphanet 91387, MedGen C4707243, MONDO:0019625.
Geleophysic dysplasia 2 (GPHYSD2). Identifiers: Orphanet 2623, MedGen C3280054, MONDO:0013612, OMIM 614185.
Ectopia lentis 1, isolated, autosomal dominant (ECTOL1). Identifiers: Orphanet 1885, MedGen C3541518, MONDO:0007514, OMIM 129600.
Weill-Marchesani syndrome 2, dominant. Also called: FBN1-Related Weill-Marchesani Syndrome; Weill-Marchesani Syndrome, Autosomal Dominant. Identifiers: Orphanet 2084, MedGen C1869115, MONDO:0012013, OMIM 608328.
MASS syndrome (OCTD). Also called: OVERLAP CONNECTIVE TISSUE DISEASE; MASS PHENOTYPE. Identifiers: MedGen C1858556, MONDO:0011431, OMIM 604308.
Stiff skin syndrome (SSKS). Identifiers: Orphanet 2833, MedGen C1861456, MONDO:0008492, OMIM 184900.
Progeroid and marfanoid aspect-lipodystrophy syndrome. Also called: MARFANOID-PROGEROID SYNDROME; MARFAN-PROGEROID-LIPODYSTROPHY SYNDROME; Marfan lipodystrophy syndrome; MARFANOID-PROGEROID-LIPODYSTROPHY SYNDROME. Identifiers: Orphanet 300382, MedGen C4310796, MONDO:0014831, OMIM 616914.
Acromicric dysplasia (ACMICD). Also called: Acromicric skeletal dysplasia. Identifiers: Orphanet 969, MedGen C0265287, MONDO:0007055, OMIM 102370.

Allele frequency attached by ClinVar (database versions not stated): ESP Exome Variant Server 0.00008; TOPMed 0.00010; 1000 Genomes Project 30x 0.00016; gnomAD 0.00008.
gnomAD v4.1: 25 of 1,614,212 alleles (0.0015%); highest among the groups gnomAD compares: African/African-American, 0.028%; no homozygotes.

Submissions (6):

GeneDx
Classification: Uncertain significance. Last evaluated: 2026-01-11. Review status: criteria provided, single submitter. Criteria: GeneDx Variant Classification Process June 2021. Collection method: clinical testing. Allele origin: germline. Affected: yes.
Comment: In silico analysis suggests that this missense variant does not alter protein structure/function; Has not been previously published as pathogenic or benign to our knowledge; Does not affect a cysteine or calcium-binding residue within an EGF-like domain or a TGF-binding protein domain of the FBN1 gene; cysteine substitutions in the EGF-like domains represent the majority of pathogenic missense changes associated with FBN1-related disorders (PMID: 12938084); This variant is associated with the following publications: (PMID: 12938084)

Color Diagnostics, LLC DBA Color Health
Classification: Likely benign for Familial thoracic aortic aneurysm and aortic dissection. Last evaluated: 2025-09-05. Review status: criteria provided, single submitter. Criteria: ACMG Guidelines, 2015. Collection method: clinical testing. Allele origin: germline.

Labcorp Genetics (formerly Invitae), Labcorp
Classification: Likely benign for Marfan syndrome; Familial thoracic aortic aneurysm and aortic dissection. Last evaluated: 2025-08-20. Review status: criteria provided, single submitter. Criteria: Invitae Variant Classification Sherloc (09022015). Collection method: clinical testing. Allele origin: germline.

Ambry Genetics
Classification: Likely benign for Familial thoracic aortic aneurysm and aortic dissection. Last evaluated: 2024-03-28. Review status: criteria provided, single submitter. Criteria: Ambry Variant Classification Scheme 2023. Collection method: clinical testing. Allele origin: germline.

All of Us Research Program, National Institutes of Health
Classification: Uncertain significance for Marfan syndrome. Last evaluated: 2023-09-04. Review status: criteria provided, single submitter. Criteria: ACMG Guidelines, 2015. Collection method: clinical testing. Allele origin: germline. Inheritance: Autosomal dominant inheritance. Observed: 2 variant alleles, 2 heterozygotes.
Comment: This missense variant replaces isoleucine with leucine at codon 1076 of the FBN1 protein. Computational prediction is inconclusive regarding the impact of this variant on protein structure and function (internally defined REVEL score threshold 0.5 < inconclusive < 0.7, PMID: 27666373). Splice site prediction tools suggest that this variant may not impact RNA splicing. To our knowledge, functional studies have not been performed for this variant. This variant has not been reported in individuals affected with cardiovascular disorders in the literature. This variant has been identified in 8/282874 chromosomes in the general population by the Genome Aggregation Database (gnomAD). The available evidence is insufficient to determine the role of this variant in disease conclusively. Therefore, this variant is classified as a Variant of Uncertain Significance.

This study involves interpretation of variants in research participants for the purpose of population health screening. Participant phenotype was not available at the time of variant classification. Additional details can be found in publication PMID: 35346344, PMCID: PMC8962531

Fulgent Genetics
Classification: Uncertain significance for Acromicric dysplasia; Ectopia lentis 1, isolated, autosomal dominant; Marfan syndrome; Stiff skin syndrome; MASS syndrome; Weill-Marchesani syndrome 2, dominant; Geleophysic dysplasia 2; Progeroid and marfanoid aspect-lipodystrophy syndrome. Last evaluated: 2021-10-09. Review status: criteria provided, single submitter. Criteria: ACMG Guidelines, 2015. Collection method: clinical testing. Allele origin: unknown.